The following is an entry in ClinVar:

ClinVar aggregate classification (germline): Uncertain significance (1 of 4 stars; one submission).

Conditions:
Primary ciliary dyskinesia. Also called: Ciliary dyskinesia. Identifiers: Orphanet 244, MedGen C0008780, MONDO:0016575, HP:0012265.

Allele frequency attached by ClinVar (database versions not stated): gnomAD exomes below 0.00001; TOPMed below 0.00001.
gnomAD v4.1: 2 of 1,614,232 alleles (0.00012%); highest among the groups gnomAD compares: African/African-American, 0.0013%; no homozygotes.

Submission:

Labcorp Genetics (formerly Invitae), Labcorp
Classification: Uncertain significance for Primary ciliary dyskinesia. Last evaluated: 2023-08-10. Review status: criteria provided, single submitter. Criteria: Invitae Variant Classification Sherloc (09022015). Collection method: clinical testing. Allele origin: germline.
Comment: In summary, the available evidence is currently insufficient to determine the role of this variant in disease. Therefore, it has been classified as a Variant of Uncertain Significance. Advanced modeling of protein sequence and biophysical properties (such as structural, functional, and spatial information, amino acid conservation, physicochemical variation, residue mobility, and thermodynamic stability) performed at Invitae indicates that this missense variant is not expected to disrupt DNAI2 protein function. ClinVar contains an entry for this variant (Variation ID: 579949). This variant has not been reported in the literature in individuals affected with DNAI2-related conditions. This variant is present in population databases (no rsID available, gnomAD 0.007%). This sequence change replaces glutamic acid, which is acidic and polar, with aspartic acid, which is acidic and polar, at codon 68 of the DNAI2 protein (p.Glu68Asp).

NM_023036.6(DNAI2):c.204G>C (p.Glu68Asp)

Gene: DNAI2 (dynein axonemal intermediate chain 2; plus strand). Cytogenetic location: 17q25.1.
Variant type: single nucleotide variant.
Coding change: c.204G>C on transcript NM_023036.6 (MANE Select); coding-DNA position 204, G replaced by C.
Protein change: p.Glu68Asp; replaces glutamic acid 68 with aspartic acid.
Molecular consequence: missense variant. On other transcripts: non-coding transcript variant (1).
Genome position (GRCh38, 1-based): chr17:74,285,060, G>C. VCF-style: chr17-74285060-G-C. GRCh37 (hg19) VCF-style: chr17-72281199-G-C.
Other names: c.204G>C, p.Glu68Asp (NM_001172810.3, NM_001353167.2); short protein forms E68D.
Identifiers: ClinVar variation 579949 (VCV000579949.9), dbSNP rs1400041025, ClinGen allele CA400903622.